The following is an entry in ClinVar:

ClinVar aggregate classification (germline): Uncertain significance. Review status: criteria provided, multiple submitters, no conflicts (2 of 4 stars). 2 submissions from 2 submitters: Uncertain significance (2). Last evaluated 2026-01-10.

Conditions:
Inborn genetic diseases. Identifiers: MedGen C0950123, MeSH D030342.
Dyskeratosis congenita, autosomal recessive 5 (DKCB5). Identifiers: MedGen C3554656, MONDO:0014076, OMIM 615190.
Pulmonary fibrosis and/or bone marrow failure, Telomere-related, 3. Also called: PULMONARY FIBROSIS AND/OR BONE MARROW FAILURE SYNDROME, TELOMERE-RELATED, 3. Identifiers: Orphanet 2032, MedGen C4225346, MONDO:0014613, OMIM 616373.

Allele frequency attached by ClinVar (database versions not stated): gnomAD exomes below 0.00001.
gnomAD v4.1: 2 of 1,612,602 alleles (0.00012%); highest among the groups gnomAD compares: Non-Finnish European, 0.00017%; no homozygotes.

Submissions (2):

Ambry Genetics
Classification: Uncertain significance for Inborn genetic diseases. Last evaluated: 2026-01-10. Review status: criteria provided, single submitter. Criteria: Ambry Variant Classification Scheme 2023. Collection method: clinical testing. Allele origin: germline.
Comment: The p.K897R variant (also known as c.2690A>G), located in coding exon 28 of the RTEL1 gene, results from an A to G substitution at nucleotide position 2690. The lysine at codon 897 is replaced by arginine, an amino acid with highly similar properties. This amino acid position is conserved. In addition, this alteration is predicted to be tolerated by in silico analysis. Based on the available evidence, the clinical significance of this variant remains unclear.

Labcorp Genetics (formerly Invitae), Labcorp
Classification: Uncertain significance for Dyskeratosis congenita, autosomal recessive 5; Pulmonary fibrosis and/or bone marrow failure, Telomere-related, 3. Last evaluated: 2022-03-19. Review status: criteria provided, single submitter. Criteria: Invitae Variant Classification Sherloc (09022015). Collection method: clinical testing. Allele origin: germline.
Comment: This variant has not been reported in the literature in individuals affected with RTEL1-related conditions. Algorithms developed to predict the effect of missense changes on protein structure and function output the following: SIFT: "Tolerated"; PolyPhen-2: "Benign"; Align-GVGD: "Class C0". The arginine amino acid residue is found in multiple mammalian species, which suggests that this missense change does not adversely affect protein function. In summary, the available evidence is currently insufficient to determine the role of this variant in disease. Therefore, it has been classified as a Variant of Uncertain Significance. This variant is not present in population databases (gnomAD no frequency). This sequence change replaces lysine, which is basic and polar, with arginine, which is basic and polar, at codon 897 of the RTEL1 protein (p.Lys897Arg).

NM_001283009.2(RTEL1):c.2690A>G (p.Lys897Arg)

Genes: RTEL1 (regulator of telomere elongation helicase 1; plus strand), RTEL1-TNFRSF6B (RTEL1-TNFRSF6B readthrough (NMD candidate); plus strand). Cytogenetic location: 20q13.33.
Variant type: single nucleotide variant.
Coding change: c.2690A>G on transcript NM_001283009.2 (MANE Select); coding-DNA position 2690, A replaced by G.
Protein change: p.Lys897Arg; replaces lysine 897 with arginine.
Molecular consequence: missense variant. On other transcripts: non-coding transcript variant (1).
Genome position (GRCh38, 1-based): chr20:63,692,842, A>G. VCF-style: chr20-63692842-A-G. GRCh37 (hg19) VCF-style: chr20-62324195-A-G.
Other names: c.2021A>G, p.Lys674Arg (NM_001283010.1); c.2690A>G, p.Lys897Arg (NM_016434.4); c.2762A>G, p.Lys921Arg (NM_032957.5); short protein forms K897R, K921R, K674R.
Identifiers: ClinVar variation 2114328 (VCV002114328.5), dbSNP rs2517164867, ClinGen allele CA409682845.
Genomic context (GRCh38, chr20:63,692,842, plus strand): 5'-AGCCTCGGGCCTGTGTCCTGCAGGAGGAGCCCGTGGCTGGTGCACAGACGGACAGGGCCA[A>G]GCTCTTCATGGTGGCCGTGAAGCAGGAGTTGAGCCAAGCCAACTTTGCCACCTTCACCCA-3'
Protein context (NP_001269938.1, residues 887-907): PVAGAQTDRA[Lys897Arg]LFMVAVKQEL